The following is an entry in ClinVar:

NM_004991.4(MECOM):c.1615C>G (p.Gln539Glu)

Gene: MECOM (MDS1 and EVI1 complex locus; minus strand). Cytogenetic location: 3q26.2.
Variant type: single nucleotide variant.
Coding change: c.1615C>G on transcript NM_004991.4 (MANE Select); coding-DNA position 1615, C replaced by G.
Protein change: p.Gln539Glu; replaces glutamine 539 with glutamic acid.
Molecular consequence: missense variant. On other transcripts: intron variant (2).
Genome position (GRCh38, 1-based): chr3:169,116,257, G>C on the plus strand (C>G on the coding strand, the complement: MECOM is on the minus strand). VCF-style: chr3-169116257-G-C. GRCh37 (hg19) VCF-style: chr3-168834045-G-C.
Other names: c.1246C>G, p.Gln416Glu (NM_001105077.4); c.1051C>G, p.Gln351Glu (NM_001105078.4, NM_001164000.2, NM_001205194.2 and 4 more transcripts); c.1054C>G, p.Gln352Glu (NM_001163999.2, NM_001366467.2, NM_001366468.2 and 1 more transcripts); c.1133-490C>G (NM_001366473.2); c.569-490C>G (NM_001366474.2); c.1615C>G (NM_004991.3); c.1615C>G, p.Gln539Glu (NM_001366466.2); short protein forms Q352E, Q351E, Q416E, Q539E.
Identifiers: ClinVar variation 2955343 (VCV002955343.4), dbSNP rs774223398, ClinGen allele CA2696313.

ClinVar aggregate classification (germline): Uncertain significance. Review status: criteria provided, multiple submitters, no conflicts (2 of 4 stars). 2 submissions from 2 submitters: Uncertain significance (2). Last evaluated 2025-02-21.

Conditions:
Inborn genetic diseases. Identifiers: MedGen C0950123, MeSH D030342.

Allele frequency attached by ClinVar (database versions not stated): gnomAD exomes below 0.00001; gnomAD 0.00001; TOPMed 0.00002.
gnomAD v4.1: 8 of 1,614,054 alleles (0.0005%); highest among the groups gnomAD compares: Middle Eastern, 0.016%; no homozygotes.

Submissions (2):

Ambry Genetics
Classification: Uncertain significance for Inborn genetic diseases. Last evaluated: 2025-02-21. Review status: criteria provided, single submitter. Criteria: Ambry Variant Classification Scheme 2023. Collection method: clinical testing. Allele origin: germline.
Comment: The p.Q539E variant (also known as c.1615C>G), located in coding exon 8 of the MECOM gene, results from a C to G substitution at nucleotide position 1615. The glutamine at codon 539 is replaced by glutamic acid, an amino acid with highly similar properties. This amino acid position is conserved. In addition, this alteration is predicted to be tolerated by in silico analysis. Based on the available evidence, the clinical significance of this variant remains unclear.

Labcorp Genetics (formerly Invitae), Labcorp
Classification: Uncertain significance. Last evaluated: 2022-11-25. Review status: criteria provided, single submitter. Criteria: Invitae Variant Classification Sherloc (09022015). Collection method: clinical testing. Allele origin: germline.
Comment: This sequence change replaces glutamine, which is neutral and polar, with glutamic acid, which is acidic and polar, at codon 351 of the MECOM protein (p.Gln351Glu). This variant is present in population databases (rs774223398, gnomAD 0.01%). This variant has not been reported in the literature in individuals affected with MECOM-related conditions. Algorithms developed to predict the effect of missense changes on protein structure and function (SIFT, PolyPhen-2, Align-GVGD) all suggest that this variant is likely to be tolerated. In summary, the available evidence is currently insufficient to determine the role of this variant in disease. Therefore, it has been classified as a Variant of Uncertain Significance.